The following is an entry in ClinVar:

ClinVar aggregate classification (germline): Uncertain significance (1 of 4 stars; one submission).

Conditions:
Severe combined immunodeficiency due to DNA-PKcs deficiency. Also called: IMMUNODEFICIENCY 26 WITH NEUROLOGIC ABNORMALITIES; Immunodeficiency 26 with or without neurologic abnormalities. Identifiers: Orphanet 317425, MedGen C4014833, MONDO:0014423, OMIM 615966.

Allele frequency attached by ClinVar (database versions not stated): gnomAD exomes below 0.00001.
gnomAD v4.1: 1 of 1,572,862 alleles (0.000064%); highest among the groups gnomAD compares: Admixed American, 0.0019%; no homozygotes.

Submission:

Labcorp Genetics (formerly Invitae), Labcorp
Classification: Uncertain significance for Severe combined immunodeficiency due to DNA-PKcs deficiency. Last evaluated: 2022-10-13. Review status: criteria provided, single submitter. Criteria: Invitae Variant Classification Sherloc (09022015). Collection method: clinical testing. Allele origin: germline.
Comment: This sequence change replaces lysine with glutamine at codon 1744 of the PRKDC protein (p.Lys1744Gln). The lysine residue is moderately conserved and there is a small physicochemical difference between lysine and glutamine. This variant is present in population databases (no rsID available, gnomAD 0.004%). This variant has not been reported in the literature in individuals affected with PRKDC-related conditions. ClinVar contains an entry for this variant (Variation ID: 1449330). Advanced modeling of protein sequence and biophysical properties (such as structural, functional, and spatial information, amino acid conservation, physicochemical variation, residue mobility, and thermodynamic stability) has been performed at Invitae for this missense variant, however the output from this modeling did not meet the statistical confidence thresholds required to predict the impact of this variant on PRKDC protein function. In summary, the available evidence is currently insufficient to determine the role of this variant in disease. Therefore, it has been classified as a Variant of Uncertain Significance.

NM_006904.7(PRKDC):c.5230A>C (p.Lys1744Gln)

Gene: PRKDC (protein kinase, DNA-activated, catalytic subunit; minus strand). Cytogenetic location: 8q11.21.
Variant type: single nucleotide variant.
Coding change: c.5230A>C on transcript NM_006904.7 (MANE Select); coding-DNA position 5230, A replaced by C.
Protein change: p.Lys1744Gln; replaces lysine 1744 with glutamine.
Molecular consequence: missense variant.
Genome position (GRCh38, 1-based): chr8:47,879,496, T>G on the plus strand (A>C on the coding strand, the complement: PRKDC is on the minus strand). VCF-style: chr8-47879496-T-G. GRCh37 (hg19) VCF-style: chr8-48792057-T-G.
Other names: c.5230A>C, p.Lys1744Gln (NM_001081640.2); short protein forms K1744Q.
Identifiers: ClinVar variation 1449330 (VCV001449330.3), dbSNP rs1301586283, ClinGen allele CA371138112.